The following is an entry in ClinVar:

NM_000051.4(ATM):c.1931C>G (p.Ser644Ter)

Gene: ATM (ATM serine/threonine kinase; plus strand). Cytogenetic location: 11q22.3.
Variant type: single nucleotide variant.
Coding change: c.1931C>G on transcript NM_000051.4 (MANE Select); coding-DNA position 1931, C replaced by G.
Protein change: p.Ser644Ter; replaces serine 644 with a stop codon.
Molecular consequence: nonsense.
Genome position (GRCh38, 1-based): chr11:108,253,846, C>G. VCF-style: chr11-108253846-C-G. GRCh37 (hg19) VCF-style: chr11-108124573-C-G.
Other names: c.1931C>G, p.Ser644Ter (NM_001351834.2); short protein forms S644*.
Identifiers: ClinVar variation 643821 (VCV000643821.39), dbSNP rs768362387, ClinGen allele CA382536544.

ClinVar aggregate classification (germline): Pathogenic. Review status: criteria provided, multiple submitters, no conflicts (2 of 4 stars). 6 submissions from 6 submitters: Pathogenic (5). 1 of the submissions does not count toward it. Last evaluated 2025-05-01.

Conditions:
Gastric cancer. Also called: Stomach cancer; Malignant tumor of stomach. Identifiers: MedGen C0024623, MeSH D013274, MONDO:0001056, OMIM 613659, HP:0012126.
Ataxia-telangiectasia syndrome (AT). Also called: LOUIS-BAR SYNDROME; Cerebello-oculocutaneous telangiectasia; Immunodeficiency with ataxia telangiectasia; Ataxia-telangiectasia, complementation group D; AT, COMPLEMENTATION GROUP C; Ataxia-telangiectasia, complementation group E. Identifiers: Orphanet 100, MedGen C0004135, MONDO:0008840, OMIM 208900.
Hereditary cancer-predisposing syndrome. Also called: Neoplastic Syndromes, Hereditary; Hereditary Cancer Syndrome; Tumor predisposition; Hereditary neoplastic syndrome. Identifiers: Orphanet 140162, MedGen C0027672, MeSH D009386, MONDO:0015356.

Submissions (6):

CeGaT Center for Human Genetics Tuebingen
Classification: Pathogenic. Last evaluated: 2025-05-01. Review status: criteria provided, single submitter. Criteria: CeGaT Center For Human Genetics Tuebingen Variant Classification Criteria Version 2. Collection method: clinical testing. Allele origin: germline. Affected: yes. Observed: 1 variant allele.
Comment: ATM: PVS1, PM2, PM3:Supporting

Ambry Genetics
Classification: Pathogenic for Hereditary cancer-predisposing syndrome. Last evaluated: 2024-01-05. Review status: criteria provided, single submitter. Criteria: Ambry Variant Classification Scheme 2023. Collection method: clinical testing. Allele origin: germline.
Comment: The p.S644* pathogenic mutation (also known as c.1931C>G), located in coding exon 12 of the ATM gene, results from a C to G substitution at nucleotide position 1931. This changes the amino acid from a serine to a stop codon within coding exon 12. This variant has been identified in the homozygous state in an individual diagnosed with ataxia telangiectasia (Hosking KA et al. Pediatr Neurol, 2014 Mar;50:279-80). This variant is considered to be rare based on population cohorts in the Genome Aggregation Database (gnomAD). In addition to the clinical data presented in the literature, this alteration is expected to result in loss of function by premature protein truncation or nonsense-mediated mRNA decay. As such, this alteration is interpreted as a disease-causing mutation.

Labcorp Genetics (formerly Invitae), Labcorp
Classification: Pathogenic for Ataxia-telangiectasia syndrome. Last evaluated: 2022-11-04. Review status: criteria provided, single submitter. Criteria: Invitae Variant Classification Sherloc (09022015). Collection method: clinical testing. Allele origin: germline.
Comment: For these reasons, this variant has been classified as Pathogenic. Algorithms developed to predict the effect of sequence changes on RNA splicing suggest that this variant may disrupt the consensus splice site. ClinVar contains an entry for this variant (Variation ID: 643821). This premature translational stop signal has been observed in individual(s) with ataxia-telangiectasia, gastric cancer, or pancreatic cancer (PMID: 10817650, 23561644, 24368146, 26098866). This variant is not present in population databases (gnomAD no frequency). This sequence change creates a premature translational stop signal (p.Ser644*) in the ATM gene. It is expected to result in an absent or disrupted protein product. Loss-of-function variants in ATM are known to be pathogenic (PMID: 23807571, 25614872).

Laboratory for Molecular Medicine, Mass General Brigham Personalized Medicine
Classification: Pathogenic for Ataxia-telangiectasia syndrome. Last evaluated: 2022-11-03. Review status: criteria provided, single submitter. Criteria: ACMG Guidelines, 2015. Collection method: clinical testing. Allele origin: germline.
Comment: The p.Ser644X variant in ATM has been reported in at least 1 homozygous individual with ataxia telangiectasia (Hosking 2014 PMID: 24368146), has been reported in ClinVar (Variation ID 643821) and was absent from large population studies. This nonsense variant leads to a premature termination codon at position 644, which is predicted to lead to a truncated or absent protein. Loss of function of the ATM gene is an established disease mechanism in autosomal recessive ataxia telangiectasia. In summary, this variant meets criteria to be classified as pathogenic for autosomal recessive ataxia telangiectasia. ACMG/AMP Criteria applied: PM2_supporting, PVS1, PM3.

Color Diagnostics, LLC DBA Color Health
Classification: Pathogenic for Hereditary cancer-predisposing syndrome. Last evaluated: 2021-07-06. Review status: criteria provided, single submitter. Criteria: ACMG Guidelines, 2015. Collection method: clinical testing. Allele origin: germline.
Comment: This variant changes 1 nucleotide in exon 13 of the ATM gene, creating a premature translation stop signal. This variant is expected to result in an absent or non-functional protein product. This variant has been reported in the homozygous state in an individual affected with ataxia telangiectasia (PMID: 24368146). This variant has not been identified in the general population by the Genome Aggregation Database (gnomAD). Loss of ATM function is a known mechanism of disease. Based on the available evidence, this variant is classified as Pathogenic.

Laboratory for Genotyping Development, RIKEN
Classification: Pathogenic for Gastric cancer. Last evaluated: 2021-07-01. Review status: no assertion criteria provided. Collection method: research. Allele origin: germline. Not counted in ClinVar's aggregate classification.

Literature cited by the submitters: PubMed 24368146 (cited by 3 submitters); PubMed 10817650 (cited by Labcorp Genetics (formerly Invitae), Labcorp and Laboratory for Molecular Medicine, Mass General Brigham Personalized Medicine); PubMed 23561644 (cited by Labcorp Genetics (formerly Invitae), Labcorp and Laboratory for Molecular Medicine, Mass General Brigham Personalized Medicine); PubMed 26098866 (cited by Labcorp Genetics (formerly Invitae), Labcorp and Laboratory for Molecular Medicine, Mass General Brigham Personalized Medicine); PubMed 23807571 (cited by Labcorp Genetics (formerly Invitae), Labcorp); PubMed 25614872 (cited by Labcorp Genetics (formerly Invitae), Labcorp and Laboratory for Molecular Medicine, Mass General Brigham Personalized Medicine); PubMed 30287823 (cited by Laboratory for Molecular Medicine, Mass General Brigham Personalized Medicine); PubMed 32980694 (cited by Laboratory for Molecular Medicine, Mass General Brigham Personalized Medicine); PubMed 25479140 (cited by Laboratory for Molecular Medicine, Mass General Brigham Personalized Medicine); PubMed 36988593 (cited by Laboratory for Genotyping Development, RIKEN).